The following is an entry in ClinVar:

NM_004329.3(BMPR1A):c.1029_1032delinsGT (p.Cys343fs)

Gene: BMPR1A (bone morphogenetic protein receptor type 1A; plus strand). Cytogenetic location: 10q23.2.
Variant type: Indel.
Coding change: c.1029_1032delinsGT on transcript NM_004329.3 (MANE Select); coding-DNA positions 1029 to 1032, CCAC replaced by GT.
Protein change: p.Cys343fs; shifts the reading frame from cysteine 343.
Molecular consequence: frameshift variant. On other transcripts: non-coding transcript variant (3).
Genome position (GRCh38, 1-based): chr10:86,919,332-86,919,335, CCAC replaced by GT. VCF-style: chr10-86919332-CCAC-GT. GRCh37 (hg19) VCF-style: chr10-88679089-CCAC-GT.
Other names: c.1029_1032delinsGT, p.Cys343fs (NM_001406566.1, NM_001406567.1, NM_001406568.1 and 19 more transcripts); c.1023_1026delinsGT, p.Cys341fs (NM_001406583.1); c.945_948delinsGT, p.Cys315fs (NM_001406584.1, NM_001406585.1, NM_001406586.1 and 2 more transcripts); c.687_690delinsGT, p.Cys229fs (NM_001406589.1); c.1104_1107delinsGT, p.Cys368fs (NM_001406559.1); c.1077_1080delinsGT, p.Cys359fs (NM_001406560.1); short protein forms C229fs, C315fs, C341fs, C343fs, C359fs, C368fs.
Identifiers: ClinVar variation 2583275 (VCV002583275.2), dbSNP rs2539620949, ClinGen allele CA2582342689.

ClinVar aggregate classification (germline): Pathogenic (1 of 4 stars; one submission).

Conditions:
Juvenile polyposis syndrome (JPS). Identifiers: Orphanet 2929, MedGen C0345893, MONDO:0017380, OMIM 174900.

Submission:

Myriad Genetics, Inc.
Classification: Pathogenic for Juvenile polyposis syndrome. Last evaluated: 2023-05-26. Review status: criteria provided, single submitter. Criteria: Myriad Autosomal Dominant, Autosomal Recessive and X-Linked Classification Criteria (2023). Collection method: clinical testing. Allele origin: unknown.
Comment: This variant is considered pathogenic. This variant creates a frameshift predicted to result in premature protein truncation.